The following is an entry in ClinVar:

NM_001144995.2(CCDC85C):c.1014C>A (p.Pro338=)

Gene: CCDC85C (coiled-coil domain containing 85C; minus strand). Cytogenetic location: 14q32.2.
Variant type: single nucleotide variant.
Coding change: c.1014C>A on transcript NM_001144995.2 (MANE Select); coding-DNA position 1014, C replaced by A.
Protein change: p.Pro338=; no amino-acid change (proline 338 retained).
Molecular consequence: synonymous variant.
Genome position (GRCh38, 1-based): chr14:99,517,145, G>T on the plus strand (C>A on the coding strand, the complement: CCDC85C is on the minus strand). VCF-style: chr14-99517145-G-T. GRCh37 (hg19) VCF-style: chr14-99983482-G-T.
Identifiers: ClinVar variation 2644510 (VCV002644510.24), dbSNP rs534603051, ClinGen allele CA7340956.

ClinVar aggregate classification (germline): Likely benign (1 of 4 stars; one submission).

Allele frequency attached by ClinVar (database versions not stated): ExAC 0.00124; 1000 Genomes Project 30x 0.00016; 1000 Genomes Project 0.00020; gnomAD 0.00048; TOPMed 0.00048.
gnomAD v4.1: 797 of 1,549,972 alleles (0.051%); highest among the groups gnomAD compares: Middle Eastern, 0.76%; 4 homozygotes.

Submission:

CeGaT Center for Human Genetics Tuebingen
Classification: Likely benign. Last evaluated: 2023-03-01. Review status: criteria provided, single submitter. Criteria: CeGaT Center For Human Genetics Tuebingen Variant Classification Criteria Version 2. Collection method: clinical testing. Allele origin: germline. Affected: yes. Observed: 1 variant allele.
Comment: CCDC85C: BP4, BP7